The following is an entry in ClinVar:

ClinVar aggregate classification (germline): Benign (0 of 4 stars; one submission).

Conditions:
PTPRT-related disorder. Also called: PTPRT-related condition.

Allele frequency attached by ClinVar (database versions not stated): ESP Exome Variant Server 0.02668; TOPMed 0.02775; gnomAD 0.02876; ExAC 0.04159; 1000 Genomes Project 30x 0.04325; 1000 Genomes Project 0.04692.
gnomAD v4.1: 55,495 of 1,484,716 alleles (3.7%); highest among the groups gnomAD compares: East Asian, 8.6%; 1,208 homozygotes.

Submission:

PreventionGenetics, part of Exact Sciences
Classification: Benign for PTPRT-related condition. Last evaluated: 2019-05-23. Review status: no assertion criteria provided. Collection method: clinical testing. Allele origin: germline.
Comment: This variant is classified as benign based on ACMG/AMP sequence variant interpretation guidelines (Richards et al. 2015 PMID: 25741868, with internal and published modifications).

NM_007050.6(PTPRT):c.4136+8C>T

Gene: PTPRT (protein tyrosine phosphatase receptor type T; minus strand). Cytogenetic location: 20q12.
Variant type: single nucleotide variant.
Coding change: c.4136+8C>T on transcript NM_007050.6 (MANE Select); 8 bases into the intron after coding-DNA position 4136, C replaced by T.
Molecular consequence: intron variant.
Genome position (GRCh38, 1-based): chr20:42,084,674, G>A on the plus strand (C>T on the coding strand, the complement: PTPRT is on the minus strand). VCF-style: chr20-42084674-G-A. GRCh37 (hg19) VCF-style: chr20-40713314-G-A.
Other names: c.4193+8C>T (NM_001394024.1, NM_133170.4); c.4160+8C>T (NM_001394025.1).
Identifiers: ClinVar variation 3056155 (VCV003056155.2), dbSNP rs6130030, ClinGen allele CA9863641.